The following is an entry in ClinVar:

ClinVar aggregate classification (germline): Uncertain significance. Review status: criteria provided, multiple submitters, no conflicts (2 of 4 stars). 2 submissions from 2 submitters: Uncertain significance (2). Last evaluated 2025-04-02.

Conditions:
Inborn genetic diseases. Identifiers: MedGen C0950123, MeSH D030342.

Allele frequency attached by ClinVar (database versions not stated): gnomAD 0.00002; TOPMed 0.00001; gnomAD exomes 0.00001.
gnomAD v4.1: 21 of 1,613,914 alleles (0.0013%); highest among the groups gnomAD compares: Non-Finnish European, 0.0016%; no homozygotes.

Submissions (2):

Labcorp Genetics (formerly Invitae), Labcorp
Classification: Uncertain significance. Last evaluated: 2025-04-02. Review status: criteria provided, single submitter. Criteria: Invitae Variant Classification Sherloc (09022015). Collection method: clinical testing. Allele origin: germline.
Comment: This sequence change replaces isoleucine, which is neutral and non-polar, with methionine, which is neutral and non-polar, at codon 685 of the ACTN1 protein (p.Ile685Met). This variant is present in population databases (no rsID available, gnomAD 0.0009%). This variant has not been reported in the literature in individuals affected with ACTN1-related conditions. ClinVar contains an entry for this variant (Variation ID: 2609391). Invitae Evidence Modeling of protein sequence and biophysical properties (such as structural, functional, and spatial information, amino acid conservation, physicochemical variation, residue mobility, and thermodynamic stability) indicates that this missense variant is not expected to disrupt ACTN1 protein function with a negative predictive value of 80%. In summary, the available evidence is currently insufficient to determine the role of this variant in disease. Therefore, it has been classified as a Variant of Uncertain Significance.

Ambry Genetics
Classification: Uncertain significance for Inborn genetic diseases. Last evaluated: 2023-07-05. Review status: criteria provided, single submitter. Criteria: Ambry Variant Classification Scheme 2023. Collection method: clinical testing. Allele origin: germline.

NM_001130004.2(ACTN1):c.2055T>G (p.Ile685Met)

Gene: ACTN1 (actinin alpha 1; minus strand). Cytogenetic location: 14q24.1.
Variant type: single nucleotide variant.
Coding change: c.2055T>G on transcript NM_001130004.2 (MANE Select); coding-DNA position 2055, T replaced by G.
Protein change: p.Ile685Met; replaces isoleucine 685 with methionine.
Molecular consequence: missense variant.
Genome position (GRCh38, 1-based): chr14:68,880,888, A>C on the plus strand (T>G on the coding strand, the complement: ACTN1 is on the minus strand). VCF-style: chr14-68880888-A-C. GRCh37 (hg19) VCF-style: chr14-69347605-A-C.
Other names: c.2142T>G, p.Ile714Met (NM_001424015.1); c.2079T>G, p.Ile693Met (NM_001424016.1, NM_001411035.1); c.2052T>G, p.Ile684Met (NM_001424017.1); c.2016T>G, p.Ile672Met (NM_001424018.1); c.1872T>G, p.Ile624Met (NM_001424019.1, NM_001424024.1, NM_001424025.1 and 2 more transcripts); c.1992T>G, p.Ile664Met (NM_001424020.1, NM_001424022.1); c.1986T>G, p.Ile662Met (NM_001424021.1); c.2055T>G, p.Ile685Met (NM_001424023.1, NM_001102.4, NM_001130005.2 and 2 more transcripts); and 3 more; short protein forms I410M, I684M, I624M, I662M, I664M, I685M, I693M, I727M.
Identifiers: ClinVar variation 2609391 (VCV002609391.4), dbSNP rs1408650458, ClinGen allele CA390182043.